The following is an entry in ClinVar:

NM_001267550.2(TTN):c.31479del (p.Phe10493fs)

Gene: TTN (titin; minus strand). Cytogenetic location: 2q31.2.
Variant type: Deletion.
Coding change: c.31479del on transcript NM_001267550.2 (MANE Select); coding-DNA position 31479, one base deleted (T; older notation c.31479delT).
Protein change: p.Phe10493fs; shifts the reading frame from phenylalanine 10493.
Molecular consequence: frameshift variant. On other transcripts: intron variant (3).
Genome position (GRCh38, 1-based): chr2:178,693,956, A deleted on the plus strand (T on the coding strand, the reverse complement: TTN is on the minus strand); the first of 3 consecutive A bases (chr2:178,693,956-178,693,958); deleting any one gives the same sequence. VCF-style (leftmost placement, unchanged base first): chr2-178693955-CA-C. GRCh37 (hg19) VCF-style: chr2-179558682-CA-C.
Other names: c.30528del, p.Phe10176fs (NM_001256850.1); c.27747del, p.Phe9249fs (NM_133378.4); c.13282+44126del (NM_003319.4); c.13858+44126del (NM_133437.4); c.13657+44126del (NM_133432.3); short protein forms F10493fs, F10176fs, F9249fs.
Identifiers: ClinVar variation 2945895 (VCV002945895.3), dbSNP rs2474589968, ClinGen allele CA2740096232.

ClinVar aggregate classification (germline): Likely pathogenic (1 of 4 stars; one submission).

Conditions:
Dilated cardiomyopathy 1G (CMD1G). Identifiers: Orphanet 154, MedGen C1858763, MONDO:0011400, OMIM 604145.
Autosomal recessive limb-girdle muscular dystrophy type 2J (LGMDR10). Also called: Limb-girdle muscular dystrophy, type 2J; MUSCULAR DYSTROPHY, LIMB-GIRDLE, AUTOSOMAL RECESSIVE 10. Identifiers: Orphanet 140922, MedGen C1837342, MONDO:0012127, OMIM 608807.

Submission:

Labcorp Genetics (formerly Invitae), Labcorp
Classification: Likely pathogenic for Dilated cardiomyopathy 1G; Autosomal recessive limb-girdle muscular dystrophy type 2J. Last evaluated: 2024-10-28. Review status: criteria provided, single submitter. Criteria: Invitae Variant Classification Sherloc (09022015). Collection method: clinical testing. Allele origin: germline.
Comment: This sequence change creates a premature translational stop signal (p.Phe10493Leufs*132) in the TTN gene. While this is not anticipated to result in nonsense mediated decay, it is expected to create a truncated TTN protein. This variant is not present in population databases (gnomAD no frequency). This variant has not been reported in the literature in individuals affected with TTN-related conditions. This variant is located in the I band of TTN (PMID: 25589632). Truncating variants in this region have been reported in individuals affected with autosomal recessive centronuclear myopathy (PMID: 23975875, internal data). Truncating variants in this region have also been identified in individuals affected with autosomal dominant dilated cardiomyopathy and/or cardio-related conditions (PMID: 27869827, 32964742, internal data). In summary, the currently available evidence indicates that the variant is pathogenic, but additional data are needed to prove that conclusively. Therefore, this variant has been classified as Likely Pathogenic.

Literature cited by the submitters: PubMed 25589632; PubMed 23975875; PubMed 27869827; PubMed 32964742.